The following is an entry in ClinVar:

NM_138694.4(PKHD1):c.*2201G>A

Gene: PKHD1 (PKHD1 ciliary IPT domain containing fibrocystin/polyductin; minus strand). Cytogenetic location: 6p12.3.
Variant type: single nucleotide variant.
Coding change: c.*2201G>A on transcript NM_138694.4 (MANE Select); 2201 bases downstream of the stop codon, G replaced by A.
Molecular consequence: 3 prime UTR variant.
Genome position (GRCh38, 1-based): chr6:51,616,880, C>T on the plus strand (G>A on the coding strand, the complement: PKHD1 is on the minus strand). VCF-style: chr6-51616880-C-T. GRCh37 (hg19) VCF-style: chr6-51481678-C-T.
Identifiers: ClinVar variation 357374 (VCV000357374.6), dbSNP rs535226662, ClinGen allele CA10624359.
Genomic context (GRCh38, chr6:51,616,880, plus strand): 5'-GGAAGAAGGGTAAAGAAGGGGCAGAAATAACAGAGCTGGCAGCTAACTCTTTGTGAAGGG[C>T]GAAATAGAATGAAGAGTCATGACTGACTTCTAGATTTCTGGTCTGAGTGCAGTGATGTCA-3'

ClinVar aggregate classification (germline): Likely benign. Review status: criteria provided, multiple submitters, no conflicts (2 of 4 stars). 2 submissions from 2 submitters: Likely benign (2). Last evaluated 2018-01-13.

Conditions:
Autosomal recessive polycystic kidney disease (ARPKD). Also called: AR polycystic kidney disease. Identifiers: Orphanet 731, Orphanet 8378, MedGen C0085548, MeSH D017044, MONDO:0009889.

Allele frequency attached by ClinVar (database versions not stated): gnomAD 0.00001 and 0.00043; TOPMed 0.00014; gnomAD exomes 0.00022; 1000 Genomes Project 0.00399; 1000 Genomes Project 30x 0.00484.
gnomAD v4.1: 118 of 386,384 alleles (0.031%); highest among the groups gnomAD compares: South Asian, 1.5%; 1 homozygote.

Submissions (2):

Illumina Laboratory Services, Illumina
Classification: Likely benign for Polycystic kidney disease 4. Last evaluated: 2018-01-13. Review status: criteria provided, single submitter. Criteria: ICSL Variant Classification Criteria 13 December 2019. Collection method: clinical testing. Allele origin: germline.
Comment: This variant was observed in the ICSL laboratory as part of a predisposition screen in an ostensibly healthy population. It had not been previously curated by ICSL or reported in the Human Gene Mutation Database (HGMD: prior to June 1st, 2018), and was therefore a candidate for classification through an automated scoring system. Utilizing variant allele frequency, disease prevalence and penetrance estimates, and inheritance mode, an automated score was calculated to assess if this variant is too frequent to cause the disease. Based on the score and internal cut-off values, a variant classified as likely benign is not then subjected to further curation. The score for this variant resulted in a classification of likely benign for this disease.

Breakthrough Genomics
Classification: Likely benign. Review status: criteria provided, single submitter. Criteria: ACMG Guidelines, 2015. Collection method: not provided. Allele origin: germline. Inheritance: Autosomal recessive inheritance. Affected: yes.